The following is an entry in ClinVar:

ClinVar aggregate classification (germline): Uncertain significance (1 of 4 stars; one submission).

Conditions:
Amyotrophic lateral sclerosis type 1 (ALS1). Also called: AMYOTROPHIC LATERAL SCLEROSIS 1, FAMILIAL. Identifiers: Orphanet 803, MedGen C1862939, MONDO:0007103, OMIM 105400.
Neuronopathy, distal hereditary motor, type 7B. Also called: HMN VIIB; LOWER MOTOR NEURON DISEASE, DYNACTIN TYPE; NEURONOPATHY, DISTAL HEREDITARY MOTOR, AUTOSOMAL DOMINANT 14; NEURONOPATHY, DISTAL HEREDITARY MOTOR, HARDING TYPE VIIB; NEUROPATHY, DISTAL HEREDITARY MOTOR, HARDING TYPE VIIB; NEUROPATHY, DISTAL HEREDITARY MOTOR, WITH VOCAL CORD PARALYSIS, HARDING TYPE VIIB. Identifiers: Orphanet 139589, MedGen C1843315, MONDO:0011879, OMIM 607641.
Perry syndrome. Also called: PARKINSONISM WITH ALVEOLAR HYPOVENTILATION AND MENTAL DEPRESSION. Identifiers: Orphanet 178509, MedGen C1868594, MONDO:0008201, OMIM 168605.

Submission:

Labcorp Genetics (formerly Invitae), Labcorp
Classification: Uncertain significance for Amyotrophic lateral sclerosis type 1; Neuronopathy, distal hereditary motor, type 7B; Perry syndrome. Last evaluated: 2024-12-26. Review status: criteria provided, single submitter. Criteria: Invitae Variant Classification Sherloc (09022015). Collection method: clinical testing. Allele origin: germline.
Comment: This sequence change replaces glutamic acid, which is acidic and polar, with glycine, which is neutral and non-polar, at codon 34 of the DCTN1 protein (p.Glu34Gly). This variant is not present in population databases (gnomAD no frequency). This variant has not been reported in the literature in individuals affected with DCTN1-related conditions. Invitae Evidence Modeling of protein sequence and biophysical properties (such as structural, functional, and spatial information, amino acid conservation, physicochemical variation, residue mobility, and thermodynamic stability) has been performed for this missense variant. However, the output from this modeling did not meet the statistical confidence thresholds required to predict the impact of this variant on DCTN1 protein function. In summary, the available evidence is currently insufficient to determine the role of this variant in disease. Therefore, it has been classified as a Variant of Uncertain Significance.

NM_004082.5(DCTN1):c.101A>G (p.Glu34Gly)

Gene: DCTN1 (dynactin subunit 1; minus strand). Cytogenetic location: 2p13.1.
Variant type: single nucleotide variant.
Coding change: c.101A>G on transcript NM_004082.5 (MANE Select); coding-DNA position 101, A replaced by G.
Protein change: p.Glu34Gly; replaces glutamic acid 34 with glycine.
Molecular consequence: missense variant. On other transcripts: non-coding transcript variant (1).
Genome position (GRCh38, 1-based): chr2:74,378,178, T>C on the plus strand (A>G on the coding strand, the complement: DCTN1 is on the minus strand). VCF-style: chr2-74378178-T-C. GRCh37 (hg19) VCF-style: chr2-74605305-T-C.
Other names: c.101A>G, p.Glu34Gly (NM_001135040.3, NM_001190837.2); c.50A>G, p.Glu17Gly (NM_001190836.2, NM_001378991.1, NM_001378992.1); short protein forms E17G, E34G.
Identifiers: ClinVar variation 3760804 (VCV003760804.2).